The following is an entry in ClinVar:

NM_000059.4(BRCA2):c.1876G>A (p.Glu626Lys)

Gene: BRCA2 (BRCA2 DNA repair associated; plus strand). Cytogenetic location: 13q13.1.
Variant type: single nucleotide variant.
Coding change: c.1876G>A on transcript NM_000059.4 (MANE Select); coding-DNA position 1876, G replaced by A.
Protein change: p.Glu626Lys; replaces glutamic acid 626 with lysine.
Molecular consequence: missense variant.
Genome position (GRCh38, 1-based): chr13:32,333,354, G>A. VCF-style: chr13-32333354-G-A. GRCh37 (hg19) VCF-style: chr13-32907491-G-A.
Other names: short protein forms E626K.
Identifiers: ClinVar variation 632704 (VCV000632704.8), dbSNP rs1566224551, ClinGen allele CA387766627.

ClinVar aggregate classification (germline): Conflicting classifications of pathogenicity. Review status: criteria provided, conflicting classifications (1 of 4 stars). 4 submissions from 4 submitters: Uncertain significance (2); Likely benign (2). Last evaluated 2024-11-09.

Conditions:
Hereditary breast ovarian cancer syndrome. Also called: Hereditary breast and ovarian cancer; Hereditary breast and ovarian cancer syndrome (HBOC); Breast and ovarian cancer; Hereditary breast and ovarian cancer syndrome; BRCA1- and BRCA2-Associated Hereditary Breast and Ovarian Cancer; Hereditary breast and/or ovarian cancer syndrome. Identifiers: Orphanet 145, MedGen C0677776, MeSH D061325, MONDO:0003582. Disease mechanism: loss of function.
Hereditary cancer-predisposing syndrome. Also called: Tumor predisposition; Neoplastic Syndromes, Hereditary; Hereditary neoplastic syndrome; Hereditary Cancer Syndrome. Identifiers: Orphanet 140162, MedGen C0027672, MeSH D009386, MONDO:0015356.

Allele frequency attached by ClinVar (database versions not stated): gnomAD exomes below 0.00001.
gnomAD v4.1: 1 of 1,607,796 alleles (0.000062%); highest among the groups gnomAD compares: Non-Finnish European, 0.000085%; no homozygotes.

Submissions (4):

Ambry Genetics
Classification: Likely benign for Hereditary cancer-predisposing syndrome. Last evaluated: 2024-11-09. Review status: criteria provided, single submitter. Criteria: Ambry Variant Classification Scheme 2023. Collection method: clinical testing. Allele origin: germline.

University of Washington Department of Laboratory Medicine, University of Washington
Classification: Likely benign for Hereditary cancer-predisposing syndrome. Last evaluated: 2023-03-23. Review status: criteria provided, single submitter. Criteria: Dines et al. (Genet Med. 2020). Collection method: curation. Allele origin: germline.
Comment: Missense variant in a coldspot region where missense variants are very unlikely to be pathogenic (PMID:31911673).

BRCA2 exon 10 coldspot. Reclassification based on statistical prior probability.

Labcorp Genetics (formerly Invitae), Labcorp
Classification: Uncertain significance for Hereditary breast ovarian cancer syndrome. Last evaluated: 2022-10-17. Review status: criteria provided, single submitter. Criteria: Invitae Variant Classification Sherloc (09022015). Collection method: clinical testing. Allele origin: germline.
Comment: ClinVar contains an entry for this variant (Variation ID: 632704). In summary, the available evidence is currently insufficient to determine the role of this variant in disease. Therefore, it has been classified as a Variant of Uncertain Significance. Advanced modeling of protein sequence and biophysical properties (such as structural, functional, and spatial information, amino acid conservation, physicochemical variation, residue mobility, and thermodynamic stability) performed at Invitae indicates that this missense variant is not expected to disrupt BRCA2 protein function. This variant has not been reported in the literature in individuals affected with BRCA2-related conditions. This variant is not present in population databases (gnomAD no frequency). This sequence change replaces glutamic acid, which is acidic and polar, with lysine, which is basic and polar, at codon 626 of the BRCA2 protein (p.Glu626Lys).

Women's Health and Genetics/Laboratory Corporation of America, LabCorp
Classification: Uncertain significance. Last evaluated: 2018-04-06. Review status: criteria provided, single submitter. Criteria: LabCorp Variant Classification Summary - May 2015. Collection method: clinical testing. Allele origin: germline.
Comment: Variant summary: BRCA2 c.1876G>A (p.Glu626Lys) results in a conservative amino acid change in the encoded protein sequence. Five of five in-silico tools predict a benign effect of the variant on protein function. The variant was absent in 116648 control chromosomes. The available data on variant occurrences in the general population are insufficient to allow any conclusion about variant significance. To our knowledge, no occurrence of c.1876G>A in individuals affected with Hereditary Breast and Ovarian Cancer and no experimental evidence demonstrating its impact on protein function have been reported. No clinical diagnostic laboratories have submitted clinical-significance assessments for this variant to ClinVar after 2014. Based on the evidence outlined above, the variant was classified as uncertain significance.